The following is an entry in ClinVar:

NM_052872.4(IL17F):c.91C>T (p.Arg31Trp)

Gene: IL17F (interleukin 17F; minus strand). Cytogenetic location: 6p12.2.
Variant type: single nucleotide variant.
Coding change: c.91C>T on transcript NM_052872.4 (MANE Select); coding-DNA position 91, C replaced by T.
Protein change: p.Arg31Trp; replaces arginine 31 with tryptophan.
Molecular consequence: missense variant.
Genome position (GRCh38, 1-based): chr6:52,238,893, G>A on the plus strand (C>T on the coding strand, the complement: IL17F is on the minus strand). VCF-style: chr6-52238893-G-A. GRCh37 (hg19) VCF-style: chr6-52103691-G-A.
Other names: short protein forms R31W.
Identifiers: ClinVar variation 859598 (VCV000859598.8), dbSNP rs377717323, ClinGen allele CA3854449.

ClinVar aggregate classification (germline): Uncertain significance (1 of 4 stars; one submission).

Conditions:
Candidiasis, familial, 6 (CANDF6). Also called: Candidiasis, familial, 6, autosomal dominant. Identifiers: Orphanet 1334, MedGen C3151405, MONDO:0013503, OMIM 613956.

Allele frequency attached by ClinVar (database versions not stated): gnomAD 0.00001; gnomAD exomes 0.00001; ExAC 0.00003; TOPMed 0.00003; ESP Exome Variant Server 0.00008; 1000 Genomes Project 30x 0.00031.
gnomAD v4.1: 21 of 1,613,918 alleles (0.0013%); highest among the groups gnomAD compares: African/African-American, 0.004%; no homozygotes.

Submission:

Labcorp Genetics (formerly Invitae), Labcorp
Classification: Uncertain significance for Candidiasis, familial, 6. Last evaluated: 2025-02-10. Review status: criteria provided, single submitter. Criteria: Invitae Variant Classification Sherloc (09022015). Collection method: clinical testing. Allele origin: germline.
Comment: This sequence change replaces arginine, which is basic and polar, with tryptophan, which is neutral and slightly polar, at codon 31 of the IL17F protein (p.Arg31Trp). This variant is present in population databases (rs377717323, gnomAD 0.01%). This variant has not been reported in the literature in individuals affected with IL17F-related conditions. ClinVar contains an entry for this variant (Variation ID: 859598). An algorithm developed to predict the effect of missense changes on protein structure and function outputs the following: PolyPhen-2: "Benign". The tryptophan amino acid residue is found in multiple mammalian species, which suggests that this missense change does not adversely affect protein function. In summary, the available evidence is currently insufficient to determine the role of this variant in disease. Therefore, it has been classified as a Variant of Uncertain Significance.